The following is an entry in ClinVar:

NM_000368.5(TSC1):c.1974C>G (p.Asp658Glu)

Gene: TSC1 (TSC complex subunit 1; minus strand). Cytogenetic location: 9q34.13.
Variant type: single nucleotide variant.
Coding change: c.1974C>G on transcript NM_000368.5 (MANE Select); coding-DNA position 1974, C replaced by G.
Protein change: p.Asp658Glu; replaces aspartic acid 658 with glutamic acid.
Molecular consequence: missense variant.
Genome position (GRCh38, 1-based): chr9:132,905,604, G>C on the plus strand (C>G on the coding strand, the complement: TSC1 is on the minus strand). VCF-style: chr9-132905604-G-C. GRCh37 (hg19) VCF-style: chr9-135780991-G-C.
Other names: c.1971C>G, p.Asp657Glu (NM_001162426.2); c.1821C>G, p.Asp607Glu (NM_001162427.2); c.1611C>G, p.Asp537Glu (NM_001362177.2); short protein forms D658E, D537E, D607E, D657E.
Identifiers: ClinVar variation 48861 (VCV000048861.19), dbSNP rs118203608, ClinGen allele CA005685.

ClinVar aggregate classification (germline): Conflicting classifications of pathogenicity. Review status: criteria provided, conflicting classifications (1 of 4 stars). 9 submissions from 9 submitters: Uncertain significance (5); Likely benign (3). 1 of the submissions does not count toward it. Last evaluated 2025-09-19.

Conditions:
Lymphangiomyomatosis (LAM). Also called: Lymphangioleiomyomatosis; Lymphangioleiomyomatosis, somatic. Identifiers: Orphanet 538, MedGen C0751674, MONDO:0011705, OMIM 606690.
Tuberous sclerosis 1 (TSC1). Identifiers: Orphanet 805, MedGen C1854465, MONDO:0008612, OMIM 191100.
Isolated focal cortical dysplasia type II (FCORD2). Also called: CORTICAL DYSPLASIA OF TAYLOR; Focal cortical dysplasia type II. Identifiers: Orphanet 268994, MedGen C1846385, MONDO:0011818, OMIM 607341, HP:0032051.
Tuberous sclerosis syndrome (TSC). Also called: Tuberous Sclerosis Complex; Tuberous sclerosis. Identifiers: Orphanet 805, MedGen C0041341, MONDO:0001734.
Hereditary cancer-predisposing syndrome. Also called: Neoplastic Syndromes, Hereditary; Tumor predisposition; Hereditary Cancer Syndrome; Hereditary neoplastic syndrome. Identifiers: Orphanet 140162, MedGen C0027672, MeSH D009386, MONDO:0015356.

Submissions (9):

Labcorp Genetics (formerly Invitae), Labcorp
Classification: Likely benign for Tuberous sclerosis 1. Last evaluated: 2025-09-19. Review status: criteria provided, single submitter. Criteria: Invitae Variant Classification Sherloc (09022015). Collection method: clinical testing. Allele origin: germline.

Ambry Genetics
Classification: Uncertain significance for Hereditary cancer-predisposing syndrome. Last evaluated: 2024-06-19. Review status: criteria provided, single submitter. Criteria: Ambry Variant Classification Scheme 2023. Collection method: clinical testing. Allele origin: germline.
Comment: The p.D658E variant (also known as c.1974C>G), located in coding exon 13 of the TSC1 gene, results from a C to G substitution at nucleotide position 1974. The aspartic acid at codon 658 is replaced by glutamic acid, an amino acid with highly similar properties. In one functional study, this alteration was classified as probably neutral (Hoogeveen-Westerveld M et al. Hum Mutat, 2011 Apr;32:424-35). This amino acid position is well conserved in available vertebrate species. In addition, the in silico prediction for this alteration is inconclusive. Based on the available evidence, the clinical significance of this variant remains unclear.

Fulgent Genetics
Classification: Uncertain significance for Tuberous sclerosis 1; Lymphangiomyomatosis; Isolated focal cortical dysplasia type II. Last evaluated: 2024-01-01. Review status: criteria provided, single submitter. Criteria: ACMG Guidelines, 2015. Collection method: clinical testing. Allele origin: germline.

All of Us Research Program, National Institutes of Health
Classification: Uncertain significance for Tuberous sclerosis syndrome. Last evaluated: 2023-11-20. Review status: criteria provided, single submitter. Criteria: ACMG Guidelines, 2015. Collection method: clinical testing. Allele origin: germline. Inheritance: Autosomal dominant inheritance. Observed: 3 variant alleles, 3 heterozygotes.
Comment: This missense variant replaces aspartic acid with glutamic acid at codon 658 of the TSC1 protein. Computational prediction suggests that this variant may not impact protein structure and function (internally defined REVEL score threshold <= 0.5, PMID: 27666373). Functional studies have shown that this variant retained more than 80% of wild type TSC1 activity (PMID: 19747374, 21309039). To our knowledge, this variant has not been reported in individuals affected with TSC1-related disorders in the literature. This variant has been identified in 2/251236 chromosomes in the general population by the Genome Aggregation Database (gnomAD). The available evidence is insufficient to determine the role of this variant in disease conclusively. Therefore, this variant is classified as a Variant of Uncertain Significance.

This study involves interpretation of variants in research participants for the purpose of population health screening. Participant phenotype was not available at the time of variant classification. Additional details can be found in publication PMID: 35346344, PMCID: PMC8962531

Color Diagnostics, LLC DBA Color Health
Classification: Uncertain significance for Tuberous sclerosis syndrome. Last evaluated: 2023-08-09. Review status: criteria provided, single submitter. Criteria: ACMG Guidelines, 2015. Collection method: clinical testing. Allele origin: germline.
Comment: This missense variant replaces aspartic acid with glutamic acid at codon 658 of the TSC1 protein. Computational prediction suggests that this variant may not impact protein structure and function. Functional studies have shown that this variant retained more than 80% of wild type TSC1 activity (PMID: 19747374, 21309039). To our knowledge, this variant has not been reported in individuals affected with TSC1-related disorders in the literature. This variant has been identified in 2/251236 chromosomes in the general population by the Genome Aggregation Database (gnomAD). The available evidence is insufficient to determine the role of this variant in disease conclusively. Therefore, this variant is classified as a Variant of Uncertain Significance.

Genome-Nilou Lab
Classification: Likely benign for Tuberous sclerosis 1. Last evaluated: 2021-11-07. Review status: criteria provided, single submitter. Criteria: ACMG Guidelines, 2015. Collection method: clinical testing. Allele origin: germline. Affected: no.

Sema4
Classification: Uncertain significance for Hereditary cancer-predisposing syndrome. Last evaluated: 2021-05-08. Review status: criteria provided, single submitter. Criteria: Sema4 Curation Guidelines. Collection method: curation. Allele origin: germline.
Comment: The TSC1 c.1974C>G (p.D658E) variant has not been reported in literature to our knowledge. This variant was observed in 2/30614 chromosomes in the South Asian subpopulation according to the Genome Aggregation Database (PMID: 32461654). This variant has been reported in ClinVar (Variation ID 48861). In silico tools suggest the impact of the variant on protein function is inconclusive, though functional studies indicate that the variant is neutral and has similar function as wildtype (PMID 21309039, 19747374). The overall evidence is insufficient to meet ACMG/AMP criteria for classifying it as benign or pathogenic. In summary, the clinical significance of this variant is currently uncertain.

GeneDx
Classification: Likely benign. Last evaluated: 2018-04-05. Review status: criteria provided, single submitter. Criteria: GeneDx Variant Classification (06012015). Collection method: clinical testing. Allele origin: germline. Affected: yes.
Comment: This variant is considered likely benign or benign based on one or more of the following criteria: it is a conservative change, it occurs at a poorly conserved position in the protein, it is predicted to be benign by multiple in silico algorithms, and/or has population frequency not consistent with disease.

Tuberous sclerosis database (TSC1)
No classification provided. Condition: TSC. Review status: no classification provided. Criteria: Tuberous Sclerosis Database Assertion Criteria 2015. Collection method: curation. Allele origin: germline. Affected: yes. Not counted in ClinVar's aggregate classification.

Literature cited by the submitters: PubMed 21309039 (cited by 4 submitters); PubMed 19747374 (cited by 3 submitters).